The following is an entry in ClinVar:

ClinVar aggregate classification (germline): Uncertain significance. Review status: criteria provided, multiple submitters, no conflicts (2 of 4 stars). 4 submissions from 4 submitters: Uncertain significance (4). Last evaluated 2022-10-17.

Conditions:
Sucrase-isomaltase deficiency (CSID). Also called: SI DEFICIENCY; Deficiency of isomaltase; Congenital sucrose isomaltose malabsorption; Sucrose isomaltose enzyme deficiency. Identifiers: Orphanet 35122, MedGen C1283620, MONDO:0009114, OMIM 222900.

Allele frequency attached by ClinVar (database versions not stated): ESP Exome Variant Server 0.00008; gnomAD exomes 0.00010 and 0.00011; TOPMed 0.00010; gnomAD 0.00011 and 0.00012; ExAC 0.00016; 1000 Genomes Project 30x 0.00078; 1000 Genomes Project 0.00100.
gnomAD v4.1: 183 of 1,606,850 alleles (0.011%); highest among the groups gnomAD compares: African/African-American, 0.024%; no homozygotes.

Submissions (4):

Labcorp Genetics (formerly Invitae), Labcorp
Classification: Uncertain significance. Last evaluated: 2022-10-17. Review status: criteria provided, single submitter. Criteria: Invitae Variant Classification Sherloc (09022015). Collection method: clinical testing. Allele origin: germline.
Comment: This sequence change replaces tyrosine, which is neutral and polar, with histidine, which is basic and polar, at codon 867 of the SI protein (p.Tyr867His). This variant is present in population databases (rs140230726, gnomAD 0.06%). This missense change has been observed in individual(s) with irritable bowel syndrome (PMID: 29408290). ClinVar contains an entry for this variant (Variation ID: 344042). Advanced modeling of protein sequence and biophysical properties (such as structural, functional, and spatial information, amino acid conservation, physicochemical variation, residue mobility, and thermodynamic stability) has been performed at Invitae for this missense variant, however the output from this modeling did not meet the statistical confidence thresholds required to predict the impact of this variant on SI protein function. In summary, the available evidence is currently insufficient to determine the role of this variant in disease. Therefore, it has been classified as a Variant of Uncertain Significance.

Fulgent Genetics
Classification: Uncertain significance for Sucrase-isomaltase deficiency. Last evaluated: 2021-10-28. Review status: criteria provided, single submitter. Criteria: ACMG Guidelines, 2015. Collection method: clinical testing. Allele origin: unknown.

Illumina Laboratory Services, Illumina
Classification: Uncertain significance for Sucrase-isomaltase deficiency. Last evaluated: 2018-01-12. Review status: criteria provided, single submitter. Criteria: ICSL Variant Classification Criteria 13 December 2019. Collection method: clinical testing. Allele origin: germline.

Breakthrough Genomics
Classification: Uncertain significance. Review status: criteria provided, single submitter. Criteria: ACMG Guidelines, 2015. Collection method: not provided. Allele origin: germline. Inheritance: Autosomal recessive inheritance. Affected: yes.

Literature cited by the submitters: PubMed 29408290 (cited by Labcorp Genetics (formerly Invitae), Labcorp).

NM_001041.4(SI):c.2599T>C (p.Tyr867His)

Gene: SI (sucrase-isomaltase; minus strand). Cytogenetic location: 3q26.1.
Variant type: single nucleotide variant.
Coding change: c.2599T>C on transcript NM_001041.4 (MANE Select); coding-DNA position 2599, T replaced by C.
Protein change: p.Tyr867His; replaces tyrosine 867 with histidine.
Molecular consequence: missense variant.
Genome position (GRCh38, 1-based): chr3:165,032,659, A>G on the plus strand (T>C on the coding strand, the complement: SI is on the minus strand). VCF-style: chr3-165032659-A-G. GRCh37 (hg19) VCF-style: chr3-164750447-A-G.
Other names: short protein forms Y867H.
Identifiers: ClinVar variation 344042 (VCV000344042.9), dbSNP rs140230726, ClinGen allele CA2690588.
Genomic context (GRCh38, chr3:165,032,659, plus strand): 5'-CACTGTCTGTCAACCCAAGGATTTTTACAGTCTGAAATGCTAAGGTAGTTCCTTCCTGAT[A>G]TGATGAATGTGTGCACACAATATCTAATGTGTTCTGAGAAAAATAGTATAAGATATTATA-3'
Protein context (NP_001032.2, residues 857-877): TLDIVCTHSS[Tyr867His]QEGTTLAFQT